The following is an entry in ClinVar:

ClinVar aggregate classification (germline): Uncertain significance (1 of 4 stars; one submission).

Conditions:
ABCB4-related disorder. Also called: ABCB4-related disorders; ABCB4-related condition.

Submission:

PreventionGenetics, part of Exact Sciences
Classification: Uncertain significance for ABCB4-related condition. Last evaluated: 2026-08-04. Review status: criteria provided, single submitter. Criteria: ACMG Guidelines, 2015. Collection method: clinical testing. Allele origin: germline.
Comment: The ABCB4 c.1792G>C variant is predicted to result in the amino acid substitution p.Asp598His. To our knowledge, this variant has not been reported in the literature or in a large population database (gnomAD), indicating this variant is rare. At this time, the clinical significance of this variant is uncertain due to the absence of conclusive functional and genetic evidence.

NM_000443.4(ABCB4):c.1792G>C (p.Asp598His)

Gene: ABCB4 (ATP binding cassette subfamily B member 4; minus strand). Cytogenetic location: 7q21.12.
Variant type: single nucleotide variant.
Coding change: c.1792G>C on transcript NM_000443.4 (MANE Select); coding-DNA position 1792, G replaced by C.
Protein change: p.Asp598His; replaces aspartic acid 598 with histidine.
Molecular consequence: missense variant.
Genome position (GRCh38, 1-based): chr7:87,431,505, C>G on the plus strand (G>C on the coding strand, the complement: ABCB4 is on the minus strand). VCF-style: chr7-87431505-C-G. GRCh37 (hg19) VCF-style: chr7-87060821-C-G.
Other names: c.1792G>C, p.Asp598His (NM_018849.3, NM_018850.3); short protein forms D598H.
Identifiers: ClinVar variation 4995533 (VCV004995533.1).